The following is an entry in ClinVar:

NM_001365276.2(TNXB):c.9029T>A (p.Leu3010Gln)

Gene: TNXB (tenascin XB; minus strand). Cytogenetic location: 6p21.33.
Variant type: single nucleotide variant.
Coding change: c.9029T>A on transcript NM_001365276.2 (MANE Select); coding-DNA position 9029, T replaced by A.
Protein change: p.Leu3010Gln; replaces leucine 3010 with glutamine.
Molecular consequence: missense variant.
Genome position (GRCh38, 1-based): chr6:32,052,756, A>T on the plus strand (T>A on the coding strand, the complement: TNXB is on the minus strand). VCF-style: chr6-32052756-A-T. GRCh37 (hg19) VCF-style: chr6-32020533-A-T.
Other names: c.9023T>A, p.Leu3008Gln (NM_019105.8); short protein forms L3008Q, L3010Q.
Identifiers: ClinVar variation 1306272 (VCV001306272.5), dbSNP rs760215956, ClinGen allele CA3733675.
Genomic context (GRCh38, chr6:32,052,756, plus strand): 5'-CCCACGCGCTGCCCCTCGTGGAGGCCGTACAGGTGCATCTTGTATTTGCACCCGGGCTCC[A>T]GGCCCCCCACGGTGACCTCGCTCTCCTCGCCCCTGACACGCACCACCTGGGGCCGCCCGT-3'
Protein context (NP_001352205.1, residues 3000-3020): GEESEVTVGG[Leu3010Gln]EPGCKYKMHL

ClinVar aggregate classification (germline): Uncertain significance. Review status: criteria provided, multiple submitters, no conflicts (2 of 4 stars). 2 submissions from 2 submitters: Uncertain significance (2). Last evaluated 2025-06-30.

Conditions:
Cardiovascular phenotype. Identifiers: MedGen CN230736.

Allele frequency attached by ClinVar (database versions not stated): gnomAD exomes below 0.00001 and 0.00001; ExAC 0.00001; gnomAD 0.00001; TOPMed 0.00001.
gnomAD v4.1: 16 of 1,613,716 alleles (0.00099%); highest among the groups gnomAD compares: Non-Finnish European, 0.0013%; no homozygotes.

Submissions (2):

Ambry Genetics
Classification: Uncertain significance for Cardiovascular phenotype. Last evaluated: 2025-06-30. Review status: criteria provided, single submitter. Criteria: Ambry Variant Classification Scheme 2023. Collection method: clinical testing. Allele origin: germline.

GeneDx
Classification: Uncertain significance. Last evaluated: 2023-12-26. Review status: criteria provided, single submitter. Criteria: GeneDx Variant Classification Process June 2021. Collection method: clinical testing. Allele origin: germline. Affected: yes.
Comment: Has not been previously published as pathogenic or benign to our knowledge; Not observed at significant frequency in large population cohorts (gnomAD); In silico analysis, which includes protein predictors and evolutionary conservation, supports a deleterious effect